The following is an entry in ClinVar:

NM_001127198.5(TMC6):c.2080G>A (p.Gly694Ser)

Gene: TMC6 (transmembrane channel like 6; minus strand). Cytogenetic location: 17q25.3.
Variant type: single nucleotide variant.
Coding change: c.2080G>A on transcript NM_001127198.5 (MANE Select); coding-DNA position 2080, G replaced by A.
Protein change: p.Gly694Ser; replaces glycine 694 with serine.
Molecular consequence: missense variant. On other transcripts: non-coding transcript variant (4).
Genome position (GRCh38, 1-based): chr17:78,117,586, C>T on the plus strand (G>A on the coding strand, the complement: TMC6 is on the minus strand). VCF-style: chr17-78117586-C-T. GRCh37 (hg19) VCF-style: chr17-76113667-C-T.
Other names: c.2080G>A, p.Gly694Ser (NM_001321185.1, NM_001374596.1, NM_001375353.1 and 2 more transcripts); c.1900G>A, p.Gly634Ser (NM_001374593.1, NM_001374594.1); short protein forms G634S, G694S.
Identifiers: ClinVar variation 2402725 (VCV002402725.4), dbSNP rs201042145, ClinGen allele CA8795436.

ClinVar aggregate classification (germline): Uncertain significance. Review status: criteria provided, multiple submitters, no conflicts (2 of 4 stars). 2 submissions from 2 submitters: Uncertain significance (2). Last evaluated 2025-08-11.

Conditions:
Epidermodysplasia verruciformis. Identifiers: Orphanet 302, MedGen C0014522, MONDO:0009176.
Inborn genetic diseases. Identifiers: MedGen C0950123, MeSH D030342.

Allele frequency attached by ClinVar (database versions not stated): TOPMed 0.00002; gnomAD 0.00003; 1000 Genomes Project 0.00040; 1000 Genomes Project 30x 0.00047.
gnomAD v4.1: 25 of 1,584,418 alleles (0.0016%); highest among the groups gnomAD compares: African/African-American, 0.004%; no homozygotes.

Submissions (2):

Ambry Genetics
Classification: Uncertain significance for Inborn genetic diseases. Last evaluated: 2025-08-11. Review status: criteria provided, single submitter. Criteria: Ambry Variant Classification Scheme 2023. Collection method: clinical testing. Allele origin: germline.

Labcorp Genetics (formerly Invitae), Labcorp
Classification: Uncertain significance for Epidermodysplasia verruciformis. Last evaluated: 2023-10-13. Review status: criteria provided, single submitter. Criteria: Invitae Variant Classification Sherloc (09022015). Collection method: clinical testing. Allele origin: germline.
Comment: This sequence change replaces glycine, which is neutral and non-polar, with serine, which is neutral and polar, at codon 694 of the TMC6 protein (p.Gly694Ser). The frequency data for this variant in the population databases is considered unreliable, as metrics indicate poor data quality at this position in the gnomAD database. This variant has not been reported in the literature in individuals affected with TMC6-related conditions. ClinVar contains an entry for this variant (Variation ID: 2402725). An algorithm developed to predict the effect of missense changes on protein structure and function (PolyPhen-2) suggests that this variant¬†is likely to be tolerated. In summary, the available evidence is currently insufficient to determine the role of this variant in disease. Therefore, it has been classified as a Variant of Uncertain Significance.